The following is an entry in ClinVar:

NM_138701.4(MPLKIP):c.116C>A (p.Pro39His)

Gene: MPLKIP (M-phase specific PLK1 interacting protein; minus strand). Cytogenetic location: 7p14.1.
Variant type: single nucleotide variant.
Coding change: c.116C>A on transcript NM_138701.4 (MANE Select); coding-DNA position 116, C replaced by A.
Protein change: p.Pro39His; replaces proline 39 with histidine.
Molecular consequence: missense variant.
Genome position (GRCh38, 1-based): chr7:40,134,452, G>T on the plus strand (C>A on the coding strand, the complement: MPLKIP is on the minus strand). VCF-style: chr7-40134452-G-T. GRCh37 (hg19) VCF-style: chr7-40174051-G-T.
Other names: short protein forms P39H.
Identifiers: ClinVar variation 1368520 (VCV001368520.8), dbSNP rs936467344, ClinGen allele CA367308641.

ClinVar aggregate classification (germline): Uncertain significance (1 of 4 stars; one submission).

Submission:

Labcorp Genetics (formerly Invitae), Labcorp
Classification: Uncertain significance. Last evaluated: 2023-10-03. Review status: criteria provided, single submitter. Criteria: Invitae Variant Classification Sherloc (09022015). Collection method: clinical testing. Allele origin: germline.
Comment: This sequence change replaces proline, which is neutral and non-polar, with histidine, which is basic and polar, at codon 39 of the MPLKIP protein (p.Pro39His). This variant is not present in population databases (gnomAD no frequency). This variant has not been reported in the literature in individuals affected with MPLKIP-related conditions. ClinVar contains an entry for this variant (Variation ID: 1368520). Experimental studies and prediction algorithms are not available or were not evaluated, and the functional significance of this variant is currently unknown. In summary, the available evidence is currently insufficient to determine the role of this variant in disease. Therefore, it has been classified as a Variant of Uncertain Significance.